The following is an entry in ClinVar:

ClinVar aggregate classification (germline): Uncertain significance (1 of 4 stars; one submission).

Conditions:
Transcobalamin II deficiency (TCN2D). Also called: TC II DEFICIENCY; TCN2 DEFICIENCY; Transcolabamin II deficiency. Identifiers: Orphanet 859, MedGen C0342701, MONDO:0010149, OMIM 275350.

Allele frequency attached by ClinVar (database versions not stated): gnomAD 0.00001; TOPMed 0.00001.
gnomAD v4.1: 17 of 1,613,986 alleles (0.0011%); highest among the groups gnomAD compares: Non-Finnish European, 0.0014%; no homozygotes.

Submission:

Labcorp Genetics (formerly Invitae), Labcorp
Classification: Uncertain significance for Transcobalamin II deficiency. Last evaluated: 2022-07-02. Review status: criteria provided, single submitter. Criteria: Invitae Variant Classification Sherloc (09022015). Collection method: clinical testing. Allele origin: germline.
Comment: This sequence change replaces proline, which is neutral and non-polar, with leucine, which is neutral and non-polar, at codon 342 of the TCN2 protein (p.Pro342Leu). This variant is present in population databases (no rsID available, gnomAD 0.0009%). This variant has not been reported in the literature in individuals affected with TCN2-related conditions. Algorithms developed to predict the effect of missense changes on protein structure and function output the following: SIFT: "Tolerated"; PolyPhen-2: "Benign"; Align-GVGD: "Class C0". The leucine amino acid residue is found in multiple mammalian species, which suggests that this missense change does not adversely affect protein function. In summary, the available evidence is currently insufficient to determine the role of this variant in disease. Therefore, it has been classified as a Variant of Uncertain Significance.

NM_000355.4(TCN2):c.1025C>T (p.Pro342Leu)

Gene: TCN2 (transcobalamin 2; plus strand). Cytogenetic location: 22q12.2.
Variant type: single nucleotide variant.
Coding change: c.1025C>T on transcript NM_000355.4 (MANE Select); coding-DNA position 1025, C replaced by T.
Protein change: p.Pro342Leu; replaces proline 342 with leucine.
Molecular consequence: missense variant.
Genome position (GRCh38, 1-based): chr22:30,617,414, C>T. VCF-style: chr22-30617414-C-T. GRCh37 (hg19) VCF-style: chr22-31013401-C-T.
Other names: c.944C>T, p.Pro315Leu (NM_001184726.2); short protein forms P315L, P342L.
Identifiers: ClinVar variation 2421040 (VCV002421040.3), dbSNP rs1488789147, ClinGen allele CA411215434.